The following is an entry in ClinVar:

ClinVar aggregate classification (germline): Uncertain significance (1 of 4 stars; one submission).

Conditions:
Myoclonic dystonia 26. Identifiers: MedGen C4225341, MONDO:0014620, OMIM 616398.

Submission:

Labcorp Genetics (formerly Invitae), Labcorp
Classification: Uncertain significance for Myoclonic dystonia 26. Last evaluated: 2025-07-14. Review status: criteria provided, single submitter. Criteria: Invitae Variant Classification Sherloc (09022015). Collection method: clinical testing. Allele origin: germline.
Comment: This sequence change replaces valine, which is neutral and non-polar, with alanine, which is neutral and non-polar, at codon 230 of the KCTD17 protein (p.Val230Ala). This variant is not present in population databases (gnomAD no frequency). This variant has not been reported in the literature in individuals affected with KCTD17-related conditions. ClinVar contains an entry for this variant (Variation ID: 1365211). Invitae Evidence Modeling of protein sequence and biophysical properties (such as structural, functional, and spatial information, amino acid conservation, physicochemical variation, residue mobility, and thermodynamic stability) indicates that this missense variant is not expected to disrupt KCTD17 protein function with a negative predictive value of 80%. In summary, the available evidence is currently insufficient to determine the role of this variant in disease. Therefore, it has been classified as a Variant of Uncertain Significance.

NM_001282684.2(KCTD17):c.668T>C (p.Val223Ala)

Gene: KCTD17 (potassium channel tetramerization domain containing 17; plus strand). Cytogenetic location: 22q12.3.
Variant type: single nucleotide variant.
Coding change: c.668T>C on transcript NM_001282684.2 (MANE Select); coding-DNA position 668, T replaced by C.
Protein change: p.Val223Ala; replaces valine 223 with alanine.
Molecular consequence: missense variant. On other transcripts: intron variant (2).
Genome position (GRCh38, 1-based): chr22:37,060,878, T>C. VCF-style: chr22-37060878-T-C. GRCh37 (hg19) VCF-style: chr22-37456918-T-C.
Other names: c.668T>C, p.Val223Ala (NM_024681.4); c.613-661T>C (NM_001282685.2); c.612+1440T>C (NM_001282686.2); short protein forms V223A.
Identifiers: ClinVar variation 1365211 (VCV001365211.8), dbSNP rs2145994501, ClinGen allele CA411415499.